The following is an entry in ClinVar:

NM_001164508.2(NEB):c.14505C>T (p.Asp4835=)

Gene: NEB (nebulin; minus strand). Cytogenetic location: 2q23.3.
Variant type: single nucleotide variant.
Coding change: c.14505C>T on transcript NM_001164508.2 (MANE Select); coding-DNA position 14505, C replaced by T.
Protein change: p.Asp4835=; no amino-acid change (aspartic acid 4835 retained).
Molecular consequence: synonymous variant. On other transcripts: intron variant (1).
Genome position (GRCh38, 1-based): chr2:151,594,019, G>A on the plus strand (C>T on the coding strand, the complement: NEB is on the minus strand). VCF-style: chr2-151594019-G-A. GRCh37 (hg19) VCF-style: chr2-152450533-G-A.
Other names: c.14505C>T, p.Asp4835= (NM_001164507.2, NM_001271208.2); c.11601+15790C>T (NM_004543.5).
Identifiers: ClinVar variation 3026833 (VCV003026833.22), dbSNP rs1256714080, ClinGen allele CA429451738.

ClinVar aggregate classification (germline): Likely benign (1 of 4 stars; one submission).

Submission:

CeGaT Center for Human Genetics Tuebingen
Classification: Likely benign. Last evaluated: 2024-01-01. Review status: criteria provided, single submitter. Criteria: CeGaT Center For Human Genetics Tuebingen Variant Classification Criteria Version 2. Collection method: clinical testing. Allele origin: germline. Affected: yes. Observed: 1 variant allele.
Comment: NEB: BP4, BP7